The following is an entry in ClinVar:

ClinVar aggregate classification (germline): Uncertain significance (1 of 4 stars; one submission).

Allele frequency attached by ClinVar (database versions not stated): gnomAD 0.00001; TOPMed 0.00001.
gnomAD v4.1: 1 of 1,611,640 alleles (0.000062%); highest among the groups gnomAD compares: African/African-American, 0.0013%; no homozygotes.

Submission:

Labcorp Genetics (formerly Invitae), Labcorp
Classification: Uncertain significance. Last evaluated: 2022-01-07. Review status: criteria provided, single submitter. Criteria: Invitae Variant Classification Sherloc (09022015). Collection method: clinical testing. Allele origin: germline.
Comment: Algorithms developed to predict the effect of missense changes on protein structure and function output the following: SIFT: "Tolerated"; PolyPhen-2: "Benign"; Align-GVGD: "Class C0". The aspartic acid amino acid residue is found in multiple mammalian species, which suggests that this missense change does not adversely affect protein function. In summary, the available evidence is currently insufficient to determine the role of this variant in disease. Therefore, it has been classified as a Variant of Uncertain Significance. This variant has not been reported in the literature in individuals affected with CAD-related conditions. This variant is present in population databases (no rsID available, gnomAD 0.01%). This sequence change replaces valine, which is neutral and non-polar, with aspartic acid, which is acidic and polar, at codon 1572 of the CAD protein (p.Val1572Asp).

NM_004341.5(CAD):c.4715T>A (p.Val1572Asp)

Gene: CAD (carbamoyl-phosphate synthetase 2, aspartate transcarbamylase, and dihydroorotase; plus strand). Cytogenetic location: 2p23.3.
Variant type: single nucleotide variant.
Coding change: c.4715T>A on transcript NM_004341.5 (MANE Select); coding-DNA position 4715, T replaced by A.
Protein change: p.Val1572Asp; replaces valine 1572 with aspartic acid.
Molecular consequence: missense variant.
Genome position (GRCh38, 1-based): chr2:27,237,869, T>A. VCF-style: chr2-27237869-T-A. GRCh37 (hg19) VCF-style: chr2-27460737-T-A.
Other names: c.4526T>A, p.Val1509Asp (NM_001306079.2); short protein forms V1572D, V1509D.
Identifiers: ClinVar variation 1511483 (VCV001511483.8), dbSNP rs1254136087, ClinGen allele CA346221272.
Genomic context (GRCh38, chr2:27,237,869, plus strand): 5'-CAGCCGGGCTGAAGCTTTACCTCAATGAGACCTTCTCTGAGCTGCGGCTGGACAGCGTGG[T>A]CCAGTGGATGGAGGTAGGGAGTGTGCATGTGGCAGGAGGCCACCACCCAGTGTCTCCTGG-3'
Protein context (NP_004332.2, residues 1562-1582): TFSELRLDSV[Val1572Asp]QWMEHFETWP